The following is an entry in ClinVar:

NM_001134232.2(TMEM106B):c.754G>A (p.Asp252Asn)

Gene: TMEM106B (transmembrane protein 106B; plus strand). Cytogenetic location: 7p21.3.
Variant type: single nucleotide variant.
Coding change: c.754G>A on transcript NM_001134232.2 (MANE Select); coding-DNA position 754, G replaced by A.
Protein change: p.Asp252Asn; replaces aspartic acid 252 with asparagine.
Molecular consequence: missense variant.
Genome position (GRCh38, 1-based): chr7:12,231,904, G>A. VCF-style: chr7-12231904-G-A. GRCh37 (hg19) VCF-style: chr7-12271530-G-A.
Other names: c.754G>A, p.Asp252Asn (NM_018374.4); short protein forms D252N.
Identifiers: ClinVar variation 523236 (VCV000523236.35), dbSNP rs1554310600, ClinGen allele CA366858893.
Genomic context (GRCh38, chr7:12,231,904, plus strand): 5'-GTGACAACAACATACTTTGGCCACTCTGAACAGATATCCCAGGAGAGGTATCAGTATGTC[G>A]ACTGTGGAAGAAACACAACTTATCAGTTGGGGCAGTCTGAATATTTAAATGTACTTCAGC-3'
Protein context (NP_001127704.1, residues 242-262): QISQERYQYV[Asp252Asn]CGRNTTYQLG

ClinVar aggregate classification (germline): Pathogenic/Likely pathogenic. Review status: criteria provided, multiple submitters, no conflicts (2 of 4 stars). 14 submissions from 14 submitters: Pathogenic (7); Likely pathogenic (3). 4 of the submissions do not count toward it. Last evaluated 2025-12-18.

Conditions:
TMEM106B-related disorder. Also called: TMEM106B-related condition.
Leukodystrophy, hypomyelinating, 16. Identifiers: MedGen C4693779, MONDO:0054791, OMIM 617964.

Submissions (14):

3billion
Classification: Pathogenic for Leukodystrophy, hypomyelinating, 16. Last evaluated: 2025-12-18. Review status: criteria provided, single submitter. Criteria: ACMG Guidelines, 2015. Collection method: clinical testing. Allele origin: germline. Affected: yes.
Comment: The variant is not observed in the gnomAD v4.1.0 dataset. Predicted Consequence/Location: Missense variant The same nucleotide change resulting in the same amino acid change has been previously reported as pathogenic/likely pathogenic with strong evidence (ClinVar ID: VCV000523236 /PMID: 29186371 /3billion dataset). The variant has been previously reported as de novo in a similarly affected individual (PMID: 29186371, 33597727). A different missense change at the same codon (p.Asp252His) has been reported to be associated with TMEM106B-related disorder (ClinVar ID: VCV003772686). Therefore, this variant is classified as Pathogenic according to the recommendation of ACMG/AMP guideline.

Victorian Clinical Genetics Services, Murdoch Childrens Research Institute
Classification: Pathogenic for Leukodystrophy, hypomyelinating, 16. Last evaluated: 2025-07-14. Review status: criteria provided, single submitter. Criteria: ACMG Guidelines, 2015. Collection method: clinical testing. Allele origin: germline. Affected: yes.
Comment: This variant is classified as Pathogenic. Evidence in support of pathogenic classification: Variant is absent from gnomAD (v2, v3 and v4); This variant has strong previous evidence of pathogenicity in unrelated individuals. This variant has been classified as likely pathogenic and pathogenic by clinical laboratories in ClinVar. This variant has also been reported in individuals with TMEM106B-related symptoms (PMID: 29186371, 29444210); Additional information: Variant is predicted to result in a missense amino acid change from aspartic acid to asparagine; This variant is heterozygous; This gene is associated with autosomal dominant disease; The mechanism of disease for this gene is not clearly established.

Genomic Medicine Center of Excellence, King Faisal Specialist Hospital and Research Centre
Classification: Pathogenic for Leukodystrophy, hypomyelinating, 16. Last evaluated: 2024-09-22. Review status: criteria provided, single submitter. Criteria: ACMG Guidelines, 2015. Collection method: clinical testing. Allele origin: germline.

GeneDx
Classification: Pathogenic. Last evaluated: 2023-10-09. Review status: criteria provided, single submitter. Criteria: GeneDx Variant Classification Process June 2021. Collection method: clinical testing. Allele origin: germline. Affected: yes.
Comment: Not observed at significant frequency in large population cohorts (gnomAD); In silico analysis supports that this missense variant has a deleterious effect on protein structure/function; This variant is associated with the following publications: (PMID: 29186371, 29444210, 32595021, 32543692, 37077564, 32572497, 36950148, 36046422, 33597727)

MyeliNeuroGene Lab, McGill University Health Center Research Institute
Classification: Pathogenic for Leukodystrophy, hypomyelinating, 16. Last evaluated: 2022-09-01. Review status: criteria provided, single submitter. Criteria: ACMG Guidelines, 2015. Collection method: research. Allele origin: de novo. Inheritance: Sporadic. Affected: yes. Observed: 1 variant allele, 1 heterozygote.

Dasa
Classification: Pathogenic for Leukodystrophy, hypomyelinating, 16. Last evaluated: 2022-01-05. Review status: criteria provided, single submitter. Criteria: ACMG Guidelines, 2015. Collection method: clinical testing. Allele origin: germline. Affected: yes. Observed: 1 variant allele.
Comment: The c.754G>A;p.(Asp252Asn) missense variant has been observed in affected individual(s) and ClinVar contains an entry for this variant (ClinVar: 523236; PMID: 29186371; 29194508; 32572497; 32595021) - PS4.The variant was observed to have arisen de novo (paternity confirmed) in a patient with the disease and no family history (PMID: 29186371; 29444210) - PS2.The variant is located in a mutational hot spot and/or critical and well-established functional domain(DUF1356 domain; PMID:29444210) - PM1. This variant is not present in population databases (rs1554310600, gnomAD; ABraOM no frequency) - PM2. In summary, the currently available evidence indicates that the variant is pathogenic.

Laboratory of Medical Genetics, National & Kapodistrian University of Athens
Classification: Likely pathogenic for Leukodystrophy, hypomyelinating, 16. Last evaluated: 2021-10-01. Review status: criteria provided, single submitter. Criteria: ACMG Guidelines, 2015. Collection method: clinical testing. Allele origin: unknown. Affected: yes.
Comment: PM2, PM6, PP3, PP5

Baylor Genetics
Classification: Pathogenic for Leukodystrophy, hypomyelinating, 16. Last evaluated: 2020-05-01. Review status: criteria provided, single submitter. Criteria: ACMG Guidelines, 2015. Collection method: clinical testing. Allele origin: unknown. Affected: yes.
Comment: This variant was determined to be pathogenic according to ACMG Guidelines, 2015 [PMID:25741868].

Blueprint Genetics
Classification: Likely pathogenic for TMEM106B-related disorders. Last evaluated: 2019-04-12. Review status: criteria provided, single submitter. Criteria: ACMG Guidelines, 2015. Collection method: clinical testing. Allele origin: de novo. Affected: yes. Observed: 1 variant allele.

SIB Swiss Institute of Bioinformatics
Classification: Likely pathogenic for Leukodystrophy, hypomyelinating, 16. Last evaluated: 2018-10-15. Review status: criteria provided, single submitter. Criteria: ACMG Guidelines, 2015. Collection method: curation. Allele origin: unknown.
Comment: This variant is interpreted as Likely Pathogenic, for Leukodystrophy, hypomyelinating, 16, autosomal dominant. The following ACMG Tag(s) were applied: PM6 => Assumed de novo, but without confirmation of paternity and maternity (PubMed 29444210). PM2 => Absent from controls (or at extremely low frequency if recessive) in Exome Sequencing Project, 1000 Genomes Project, or Exome Aggregation Consortium. PS4-Moderate => PS4 downgraded in strength to Moderate (PubMed 29444210,29186371).

Clinical Laboratory Sciences Program (CLSP), King Saud bin Abdulaziz University for Health Sciences (KSAU-HS)
Classification: Pathogenic for Leukodystrophy, hypomyelinating, 16. Last evaluated: 2023-04-01. Review status: no assertion criteria provided. Collection method: clinical testing. Allele origin: germline. Affected: yes. Not counted in ClinVar's aggregate classification.

OMIM
Classification: Pathogenic for LEUKODYSTROPHY, HYPOMYELINATING, 16. Last evaluated: 2018-05-08. Review status: no assertion criteria provided. Collection method: literature only. Allele origin: germline. Not counted in ClinVar's aggregate classification.

Genome Diagnostics Laboratory, Amsterdam University Medical Center
Classification: Likely pathogenic. Review status: no assertion criteria provided. Collection method: clinical testing. Allele origin: germline. Affected: yes. Study: VKGL Data-share Consensus. Not counted in ClinVar's aggregate classification.

Joint Genome Diagnostic Labs from Nijmegen and Maastricht, Radboudumc and MUMC+
Classification: Pathogenic. Review status: no assertion criteria provided. Collection method: clinical testing. Allele origin: germline. Affected: yes. Study: VKGL Data-share Consensus. Not counted in ClinVar's aggregate classification.

Literature cited by the submitters: PubMed 29186371 (cited by 5 submitters); PubMed 33597727 (cited by 3billion); PubMed 29444210 (cited by 3 submitters); PubMed 29194508 (cited by Dasa); PubMed 32572497 (cited by Dasa); PubMed 32595021 (cited by Dasa); PubMed 10338095 (cited by Dasa); PubMed 17309651 (cited by Dasa); PubMed 16941474 (cited by Dasa); PubMed 10737981 (cited by Dasa).